The following is an entry in ClinVar:

ClinVar aggregate classification (germline): Benign. Review status: criteria provided, single submitter (1 of 4 stars). 2 submissions from 2 submitters: Benign (1). 1 of the submissions does not count toward it. Last evaluated 2026-02-01.

Conditions:
PKD1L1-related disorder. Also called: PKD1L1-related condition.

Allele frequency attached by ClinVar (database versions not stated): ExAC 0.01887; 1000 Genomes Project 0.03714; 1000 Genomes Project 30x 0.04060; gnomAD 0.04642; TOPMed 0.05241; ESP Exome Variant Server 0.05528.
gnomAD v4.1: 23,723 of 1,613,880 alleles (1.5%); highest among the groups gnomAD compares: African/African-American, 14%; 824 homozygotes.

Submissions (2):

Labcorp Genetics (formerly Invitae), Labcorp
Classification: Benign. Last evaluated: 2026-02-01. Review status: criteria provided, single submitter. Criteria: Invitae Variant Classification Sherloc (09022015). Collection method: clinical testing. Allele origin: germline.

PreventionGenetics, part of Exact Sciences
Classification: Benign for PKD1L1-related condition. Last evaluated: 2019-06-17. Review status: no assertion criteria provided. Collection method: clinical testing. Allele origin: germline. Not counted in ClinVar's aggregate classification.
Comment: This variant is classified as benign based on ACMG/AMP sequence variant interpretation guidelines (Richards et al. 2015 PMID: 25741868, with internal and published modifications).

NM_138295.5(PKD1L1):c.2635A>G (p.Thr879Ala)

Gene: PKD1L1 (polycystin 1 like 1, transient receptor potential channel interacting; minus strand). Cytogenetic location: 7p12.3.
Variant type: single nucleotide variant.
Coding change: c.2635A>G on transcript NM_138295.5 (MANE Select); coding-DNA position 2635, A replaced by G.
Protein change: p.Thr879Ala; replaces threonine 879 with alanine.
Molecular consequence: missense variant.
Genome position (GRCh38, 1-based): chr7:47,890,582, T>C on the plus strand (A>G on the coding strand, the complement: PKD1L1 is on the minus strand). VCF-style: chr7-47890582-T-C. GRCh37 (hg19) VCF-style: chr7-47930180-T-C.
Other names: c.2635A>G (NM_138295.3); short protein forms T879A.
Identifiers: ClinVar variation 2039472 (VCV002039472.6), dbSNP rs11972142, ClinGen allele CA4253678.